The following is an entry in ClinVar:

ClinVar aggregate classification (germline): Uncertain significance (1 of 4 stars; one submission).

Allele frequency attached by ClinVar (database versions not stated): gnomAD exomes below 0.00001.
gnomAD v4.1: 2 of 1,614,118 alleles (0.00012%); highest among the groups gnomAD compares: Non-Finnish European, 0.00017%; no homozygotes.

Submission:

Women's Health and Genetics/Laboratory Corporation of America, LabCorp
Classification: Uncertain significance. Last evaluated: 2023-09-01. Review status: criteria provided, single submitter. Criteria: LabCorp Variant Classification Summary - May 2015. Collection method: clinical testing. Allele origin: germline.
Comment: Variant summary: ASH1L c.8392C>G (p.Pro2798Ala) results in a non-conservative amino acid change in the encoded protein sequence. Three of five in-silico tools predict a benign effect of the variant on protein function. The variant was absent in 251472 control chromosomes (gnomAD). The available data on variant occurrences in the general population are insufficient to allow any conclusion about variant significance. To our knowledge, no occurrence of c.8392C>G in individuals affected with Intellectual Disability, Autosomal Dominant 52 and no experimental evidence demonstrating its impact on protein function have been reported. No submitters have cited clinical-significance assessments for this variant to ClinVar after 2014. Based on the evidence outlined above, the variant was classified as uncertain significance.

NM_018489.3(ASH1L):c.8392C>G (p.Pro2798Ala)

Gene: ASH1L (ASH1 like histone lysine methyltransferase; minus strand). Cytogenetic location: 1q22.
Variant type: single nucleotide variant.
Coding change: c.8392C>G on transcript NM_018489.3 (MANE Select); coding-DNA position 8392, C replaced by G.
Protein change: p.Pro2798Ala; replaces proline 2798 with alanine.
Molecular consequence: missense variant.
Genome position (GRCh38, 1-based): chr1:155,342,004, G>C on the plus strand (C>G on the coding strand, the complement: ASH1L is on the minus strand). VCF-style: chr1-155342004-G-C. GRCh37 (hg19) VCF-style: chr1-155311795-G-C.
Other names: c.8407C>G, p.Pro2803Ala (NM_001366177.2); short protein forms P2798A, P2803A.
Identifiers: ClinVar variation 2627263 (VCV002627263.1), dbSNP rs2525632231, ClinGen allele CA342724164.